The following is an entry in ClinVar:

ClinVar aggregate classification (germline): Uncertain significance (1 of 4 stars; one submission).

Conditions:
FG syndrome (FGS). Identifiers: MedGen C0220769, MONDO:0002010.

Allele frequency attached by ClinVar (database versions not stated): gnomAD exomes below 0.00001.

Submission:

Labcorp Genetics (formerly Invitae), Labcorp
Classification: Uncertain significance for FG syndrome. Last evaluated: 2018-08-26. Review status: criteria provided, single submitter. Criteria: Invitae Variant Classification Sherloc (09022015). Collection method: clinical testing. Allele origin: germline.
Comment: This sequence change replaces alanine with valine at codon 168 of the MED12 protein (p.Ala168Val). The alanine residue is highly conserved and there is a small physicochemical difference between alanine and valine. This variant is not present in population databases (ExAC no frequency). This variant has not been reported in the literature in individuals with MED12-related disease. Algorithms developed to predict the effect of missense changes on protein structure and function are either unavailable or do not agree on the potential impact of this missense change (SIFT: "Deleterious"; PolyPhen-2: "Benign"; Align-GVGD: "Class C55"). In summary, the available evidence is currently insufficient to determine the role of this variant in disease. Therefore, it has been classified as a Variant of Uncertain Significance.

NM_005120.3(MED12):c.503C>T (p.Ala168Val)

Gene: MED12 (mediator complex subunit 12; plus strand). Cytogenetic location: Xq13.1.
Variant type: single nucleotide variant.
Coding change: c.503C>T on transcript NM_005120.3 (MANE Select); coding-DNA position 503, C replaced by T.
Protein change: p.Ala168Val; replaces alanine 168 with valine.
Molecular consequence: missense variant.
Genome position (GRCh38, 1-based): chrX:71,120,120, C>T. VCF-style: chrX-71120120-C-T. GRCh37 (hg19) VCF-style: chrX-70339970-C-T.
Other names: short protein forms A168V.
Identifiers: ClinVar variation 663638 (VCV000663638.9), dbSNP rs1602294043, ClinGen allele CA413500140.